The following is an entry in ClinVar:

ClinVar aggregate classification (germline): Uncertain significance (1 of 4 stars; one submission).

Conditions:
Gastrointestinal stromal tumor. Also called: Gastrointestinal stromal tumor, somatic; Gastrointestinal stroma tumor. Identifiers: Orphanet 44890, MedGen C0238198, MeSH D046152, MONDO:0011719, OMIM 606764, HP:0100723.

Allele frequency attached by ClinVar (database versions not stated): gnomAD exomes below 0.00001.
gnomAD v4.1: 1 of 1,607,878 alleles (0.000062%); highest among the groups gnomAD compares: Non-Finnish European, 0.000085%; no homozygotes.

Submission:

Labcorp Genetics (formerly Invitae), Labcorp
Classification: Uncertain significance for Gastrointestinal stromal tumor. Last evaluated: 2018-01-29. Review status: criteria provided, single submitter. Criteria: Invitae Variant Classification Sherloc (09022015). Collection method: clinical testing. Allele origin: germline.
Comment: In summary, the available evidence is currently insufficient to determine the role of this variant in disease. Therefore, it has been classified as a Variant of Uncertain Significance. Algorithms developed to predict the effect of missense changes on protein structure and function (SIFT, PolyPhen-2, Align-GVGD) all suggest that this variant is likely to be tolerated, but these predictions have not been confirmed by published functional studies and their clinical significance is uncertain. This variant has not been reported in the literature in individuals with PDGFRA-related disease. This variant is not present in population databases (ExAC no frequency). This sequence change replaces aspartic acid with glutamic acid at codon 919 of the PDGFRA protein (p.Asp919Glu). The aspartic acid residue is moderately conserved and there is a small physicochemical difference between aspartic acid and glutamic acid.

NM_006206.6(PDGFRA):c.2757C>G (p.Asp919Glu)

Gene: PDGFRA (platelet derived growth factor receptor alpha; plus strand). Cytogenetic location: 4q12.
Variant type: single nucleotide variant.
Coding change: c.2757C>G on transcript NM_006206.6 (MANE Select); coding-DNA position 2757, C replaced by G.
Protein change: p.Asp919Glu; replaces aspartic acid 919 with glutamic acid.
Molecular consequence: missense variant.
Genome position (GRCh38, 1-based): chr4:54,288,881, C>G. VCF-style: chr4-54288881-C-G. GRCh37 (hg19) VCF-style: chr4-55155048-C-G.
Other names: c.2832C>G, p.Asp944Glu (NM_001347828.2); c.2757C>G, p.Asp919Glu (NM_001347829.2); c.2796C>G, p.Asp932Glu (NM_001347830.2); short protein forms D919E, D944E, D932E.
Identifiers: ClinVar variation 579173 (VCV000579173.9), dbSNP rs1189646004, ClinGen allele CA356895589.
Genomic context (GRCh38, chr4:54,288,881, plus strand): 5'-GATGGTGGATTCTACTTTCTACAATAAGATCAAGAGTGGGTACCGGATGGCCAAGCCTGA[C>G]CACGCTACCAGTGAAGTGTGAGCTCCTTCCCCATCCCGGGGGCCTGTGTTCACAGTCTGT-3'
Protein context (NP_006197.1, residues 909-929): IKSGYRMAKP[Asp919Glu]HATSEVYEIM